The following is an entry in ClinVar:

NM_001164277.2(SLC37A4):c.148+4A>G

Gene: SLC37A4 (solute carrier family 37 member 4; minus strand). Cytogenetic location: 11q23.3.
Variant type: single nucleotide variant.
Coding change: c.148+4A>G on transcript NM_001164277.2 (MANE Select); 4 bases into the intron after coding-DNA position 148, A replaced by G.
Molecular consequence: intron variant.
Genome position (GRCh38, 1-based): chr11:119,029,218, T>C on the plus strand (A>G on the coding strand, the complement: SLC37A4 is on the minus strand). VCF-style: chr11-119029218-T-C. GRCh37 (hg19) VCF-style: chr11-118899928-T-C.
Other names: c.-172+174A>G (NM_001164279.2); c.148+4A>G (NM_001467.6, NM_001164278.2, NM_001164280.2).
Identifiers: ClinVar variation 969365 (VCV000969365.5), dbSNP rs1943672237, ClinGen allele CA1139662379.

ClinVar aggregate classification (germline): Uncertain significance. Review status: criteria provided, multiple submitters, no conflicts (2 of 4 stars). 3 submissions from 3 submitters: Uncertain significance (2). 1 of the submissions does not count toward it. Last evaluated 2026-07-23.

Conditions:
Glycogen storage disease, type I. Identifiers: Orphanet 364, MedGen C0017920, MONDO:0002413.
Glucose-6-phosphate transport defect (GSD1B). Also called: GSD Ib; Glycogen Storage Disease Type Ib. Identifiers: Orphanet 364, Orphanet 79259, MedGen C0268146, MONDO:0009288, OMIM 232220.

Submissions (3):

Myriad Genetics, Inc.
Classification: Uncertain significance for Glycogen storage disease, type I. Last evaluated: 2026-07-23. Review status: criteria provided, single submitter. Criteria: Myriad Autosomal Dominant, Autosomal Recessive and X-Linked Classification Criteria (2023). Collection method: clinical testing. Allele origin: unknown.
Comment: NM_001164277.1(SLC37A4):c.148+4A>G is an intronic variant classified as a variant of uncertain significance in the context of glycogen storage disease type Ib. c.148+4A>G has not been observed in cases with relevant disease. Relevant functional assessments of this variant are not available in the literature. c.148+4A>G has not been observed in referenced population frequency databases. In summary, there is insufficient evidence to classify NM_001164277.1(SLC37A4):c.148+4A>G as pathogenic or benign. Please note: this variant was assessed in the context of healthy population screening.

Labcorp Genetics (formerly Invitae), Labcorp
Classification: Uncertain significance for Glucose-6-phosphate transport defect. Last evaluated: 2019-11-15. Review status: criteria provided, single submitter. Criteria: Invitae Variant Classification Sherloc (09022015). Collection method: clinical testing. Allele origin: germline.
Comment: This sequence change falls in intron 3 of the SLC37A4 gene. It does not directly change the encoded amino acid sequence of the SLC37A4 protein, but it affects a nucleotide within the consensus splice site of the intron. This variant is not present in population databases (ExAC no frequency). This variant has not been reported in the literature in individuals with SLC37A4-related conditions. Nucleotide substitutions within the consensus splice site are a relatively common cause of aberrant splicing (PMID: 17576681, 9536098). Algorithms developed to predict the effect of sequence changes on RNA splicing suggest that this variant may disrupt the consensus splice site, but this prediction has not been confirmed by published transcriptional studies. In summary, the available evidence is currently insufficient to determine the role of this variant in disease. Therefore, it has been classified as a Variant of Uncertain Significance.

Natera, Inc.
Classification: Uncertain significance for Glycogen storage disease type Ib. Last evaluated: 2025-02-03. Review status: no assertion criteria provided. Collection method: clinical testing. Allele origin: germline. Not counted in ClinVar's aggregate classification.

Literature cited by the submitters: PubMed 17576681 (cited by Labcorp Genetics (formerly Invitae), Labcorp); PubMed 9536098 (cited by Labcorp Genetics (formerly Invitae), Labcorp).